The following is an entry in ClinVar:

NM_002471.4(MYH6):c.68_83del (p.Arg23fs)

Genes: MYH6 (myosin heavy chain 6; minus strand), LOC114827851 (VISTA enhancer hs2155; plus strand). Cytogenetic location: 14q11.2.
Variant type: Deletion.
Coding change: c.68_83del on transcript NM_002471.4 (MANE Select); coding-DNA positions 68 to 83, 16 bases deleted (GTCTAGAGGCCCAGAC).
Protein change: p.Arg23fs; shifts the reading frame from arginine 23.
Molecular consequence: frameshift variant.
Genome position (GRCh38, 1-based): chr14:23,407,141-23,407,156, GTCTGGGCCTCTAGAC deleted on the plus strand (GTCTAGAGGCCCAGAC on the coding strand, the reverse complement: MYH6 is on the minus strand); deleting any 16 consecutive bases within chr14:23,407,141-23,407,157 gives the same sequence; the c. name uses the placement nearest the transcript's 3' end. VCF-style (leftmost placement, unchanged base first): chr14-23407140-GGTCTGGGCCTCTAGAC-G. GRCh37 (hg19) VCF-style: chr14-23876349-GGTCTGGGCCTCTAGAC-G.
Other names: short protein forms R23fs.
Identifiers: ClinVar variation 859518 (VCV000859518.8), dbSNP rs1486297751, ClinGen allele CA704272922.

ClinVar aggregate classification (germline): Uncertain significance (1 of 4 stars; one submission).

Conditions:
Hypertrophic cardiomyopathy 14. Identifiers: MedGen C2750467, MONDO:0013197, OMIM 613251.

Submission:

Labcorp Genetics (formerly Invitae), Labcorp
Classification: Uncertain significance for Hypertrophic cardiomyopathy 14. Last evaluated: 2019-12-27. Review status: criteria provided, single submitter. Criteria: Invitae Variant Classification Sherloc (09022015). Collection method: clinical testing. Allele origin: germline.
Comment: In summary, the available evidence is currently insufficient to determine the role of this variant in disease. Therefore, it has been classified as a Variant of Uncertain Significance. The current clinical and genetic evidence is not sufficient to establish whether loss-of-function variants in MYH6 cause disease. This variant has not been reported in the literature in individuals with MYH6-related conditions. This variant is not present in population databases (ExAC no frequency). This sequence change creates a premature translational stop signal (p.Arg23Profs*42) in the MYH6 gene. It is expected to result in an absent or disrupted protein product.